The following is an entry in ClinVar:

ClinVar aggregate classification (germline): Uncertain significance (1 of 4 stars; one submission).

Conditions:
Lysinuric protein intolerance (LPI). Identifiers: Orphanet 470, MedGen C0268647, MONDO:0009109, OMIM 222700.

Submission:

Labcorp Genetics (formerly Invitae), Labcorp
Classification: Uncertain significance for Lysinuric protein intolerance. Last evaluated: 2019-02-21. Review status: criteria provided, single submitter. Criteria: Invitae Variant Classification Sherloc (09022015). Collection method: clinical testing. Allele origin: germline.
Comment: This variant results in a copy number gain of the genomic region encompassing exons 4-11 of the SLC7A7 gene. The 5' boundary is likely confined to intron 3. The 3' end of this event is unknown as it extends beyond the assayed region for this gene and therefore may encompass additional genes. As the precise location of this event is unknown, it may be in tandem or it may be located elsewhere in the genome. This variant has not been reported in the literature in individuals with SLC7A7-related conditions. In summary, the available evidence is currently insufficient to determine the role of this variant in disease. Therefore, it has been classified as a Variant of Uncertain Significance.

NC_000014.9:g.(?_22773590)_(22780071_?)dup

Gene: SLC7A7 (solute carrier family 7 member 7; minus strand). Cytogenetic location: 14q11.2.
Variant type: Duplication.
Identifiers: ClinVar variation 831872 (VCV000831872.1).